The following is an entry in ClinVar:

NM_018124.4(RFWD3):c.753dup (p.Val252fs)

Gene: RFWD3 (ring finger and WD repeat domain 3; minus strand). Cytogenetic location: 16q23.1.
Variant type: Duplication.
Coding change: c.753dup on transcript NM_018124.4 (MANE Select); coding-DNA position 753, one base duplicated (A; older notation c.753dupA).
Protein change: p.Val252fs; shifts the reading frame from valine 252.
Molecular consequence: frameshift variant. On other transcripts: 5 prime UTR variant (3), intron variant (2).
Genome position (GRCh38, 1-based): chr16:74,649,171, T duplicated on the plus strand (A on the coding strand, the reverse complement: RFWD3 is on the minus strand); the first of 2 consecutive T bases (chr16:74,649,171-74,649,172); duplicating either gives the same sequence. VCF-style (leftmost placement, unchanged base first): chr16-74649170-C-CT. GRCh37 (hg19) VCF-style: chr16-74683068-C-CT.
Other names: c.753dup, p.Val252fs (NM_001370534.1, NM_001370535.1, NM_001370536.1); c.-256dup (NM_001370537.1); c.-82dup (NM_001370539.1, NM_001370540.1); c.-83dup (NM_001370541.1); c.-43+2749dup (NM_001370543.1); c.-164-93dup (NM_001370542.1); short protein forms V252fs.
Identifiers: ClinVar variation 2692899 (VCV002692899.3), dbSNP rs2544077196, ClinGen allele CA2697555938.

ClinVar aggregate classification (germline): Uncertain significance (1 of 4 stars; one submission).

Submission:

Labcorp Genetics (formerly Invitae), Labcorp
Classification: Uncertain significance. Last evaluated: 2024-05-08. Review status: criteria provided, single submitter. Criteria: Invitae Variant Classification Sherloc (09022015). Collection method: clinical testing. Allele origin: germline.
Comment: This sequence change creates a premature translational stop signal (p.Val252Serfs*20) in the RFWD3 gene. It is expected to result in an absent or disrupted protein product. However, the current clinical and genetic evidence is not sufficient to establish whether loss-of-function variants in RFWD3 cause disease. This variant is not present in population databases (gnomAD no frequency). This variant has not been reported in the literature in individuals affected with RFWD3-related conditions. In summary, the available evidence is currently insufficient to determine the role of this variant in disease. Therefore, it has been classified as a Variant of Uncertain Significance.